The following is an entry in ClinVar:

ClinVar aggregate classification (germline): Pathogenic (1 of 4 stars; one submission).

Conditions:
Fanconi anemia (FA). Also called: Fanconi's anemia. Identifiers: Orphanet 84, MedGen C0015625, MeSH D005199, MONDO:0019391.

Submission:

Labcorp Genetics (formerly Invitae), Labcorp
Classification: Pathogenic for Fanconi anemia. Last evaluated: 2023-10-15. Review status: criteria provided, single submitter. Criteria: Invitae Variant Classification Sherloc (09022015). Collection method: clinical testing. Allele origin: germline.
Comment: This sequence change creates a premature translational stop signal (p.Leu135Hisfs*8) in the FANCD2 gene. It is expected to result in an absent or disrupted protein product. Loss-of-function variants in FANCD2 are known to be pathogenic (PMID: 17436244). This variant is not present in population databases (gnomAD no frequency). This variant has not been reported in the literature in individuals affected with FANCD2-related conditions. For these reasons, this variant has been classified as Pathogenic.

Literature cited by the submitters: PubMed 17436244.

NM_001018115.3(FANCD2):c.400_401del (p.Leu135fs)

Genes: FANCD2 (FA complementation group D2; plus strand), LOC107303338 (3p25 FANCD2 Alu-mediated recombination region; plus strand). Cytogenetic location: 3p25.3.
Variant type: Microsatellite.
Coding change: c.400_401del on transcript NM_001018115.3 (MANE Select); coding-DNA positions 400 to 401, 2 bases deleted (AG; older notation c.400_401delAG).
Protein change: p.Leu135fs; shifts the reading frame from leucine 135.
Molecular consequence: frameshift variant.
Genome position (GRCh38, 1-based): chr3:10,035,195-10,035,196, AG deleted; deleting any 2 consecutive bases within chr3:10,035,193-10,035,196 gives the same sequence; the c. name uses the placement nearest the transcript's 3' end. VCF-style (leftmost placement, unchanged base first): chr3-10035192-AAG-A. GRCh37 (hg19) VCF-style: chr3-10076876-AAG-A.
Other names: c.400_401del, p.Leu135fs (NM_001319984.2, NM_001374253.1, NM_001374254.1 and 2 more transcripts); short protein forms L135fs.
Identifiers: ClinVar variation 2768664 (VCV002768664.3), dbSNP rs2470721408, ClinGen allele CA2697550681.